The following is an entry in ClinVar:

ClinVar aggregate classification (germline): Uncertain significance (1 of 4 stars; one submission).

Submission:

Labcorp Genetics (formerly Invitae), Labcorp
Classification: Uncertain significance. Last evaluated: 2022-10-13. Review status: criteria provided, single submitter. Criteria: Invitae Variant Classification Sherloc (09022015). Collection method: clinical testing. Allele origin: germline.
Comment: In summary, the available evidence is currently insufficient to determine the role of this variant in disease. Therefore, it has been classified as a Variant of Uncertain Significance. Advanced modeling of protein sequence and biophysical properties (such as structural, functional, and spatial information, amino acid conservation, physicochemical variation, residue mobility, and thermodynamic stability) performed at Invitae indicates that this missense variant is expected to disrupt ASNS protein function. This variant has not been reported in the literature in individuals affected with ASNS-related conditions. This variant is not present in population databases (gnomAD no frequency). This sequence change replaces serine, which is neutral and polar, with threonine, which is neutral and polar, at codon 367 of the ASNS protein (p.Ser367Thr).

NM_001673.5(ASNS):c.1099T>A (p.Ser367Thr)

Genes: ASNS (asparagine synthetase (glutamine-hydrolyzing); minus strand), CZ1P-ASNS (CZ1P-ASNS readthrough; minus strand). Cytogenetic location: 7q21.3.
Variant type: single nucleotide variant.
Coding change: c.1099T>A on transcript NM_001673.5 (MANE Select); coding-DNA position 1099, T replaced by A.
Protein change: p.Ser367Thr; replaces serine 367 with threonine.
Molecular consequence: missense variant. On other transcripts: non-coding transcript variant (1).
Genome position (GRCh38, 1-based): chr7:97,855,391, A>T on the plus strand (T>A on the coding strand, the complement: ASNS is on the minus strand). VCF-style: chr7-97855391-A-T. GRCh37 (hg19) VCF-style: chr7-97484703-A-T.
Other names: c.1036T>A, p.Ser346Thr (NM_001178075.2); c.850T>A, p.Ser284Thr (NM_001178076.2, NM_001178077.1); c.1099T>A, p.Ser367Thr (NM_001352496.2, NM_133436.3, NM_183356.4); short protein forms S367T, S284T, S346T.
Identifiers: ClinVar variation 2066363 (VCV002066363.4), dbSNP rs1234657092, ClinGen allele CA368265629.
Genomic context (GRCh38, chr7:97,855,391, plus strand): 5'-CCCTCCACTTCAGAGTGGTTACCTTGTGAAAATATATGTAACCCTGCGTAAGTTCATCTG[A>T]TCCTTCTCCAGAGAAGATCACCACGCTATCTGTGTTCTTCCGAATATACTTGGAAATTAA-3'
Protein context (NP_001664.3, residues 357-377): DSVVIFSGEG[Ser367Thr]DELTQGYIYF